The following is an entry in ClinVar:

NM_022437.3(ABCG8):c.1649C>T (p.Ala550Val)

Gene: ABCG8 (ATP binding cassette subfamily G member 8; plus strand). Cytogenetic location: 2p21.
Variant type: single nucleotide variant.
Coding change: c.1649C>T on transcript NM_022437.3 (MANE Select); coding-DNA position 1649, C replaced by T.
Protein change: p.Ala550Val; replaces alanine 550 with valine.
Molecular consequence: missense variant.
Genome position (GRCh38, 1-based): chr2:43,875,306, C>T. VCF-style: chr2-43875306-C-T. GRCh37 (hg19) VCF-style: chr2-44102445-C-T.
Other names: c.1646C>T, p.Ala549Val (NM_001357321.2); short protein forms A549V, A550V.
Identifiers: ClinVar variation 2628634 (VCV002628634.1), dbSNP rs202028007, ClinGen allele CA1637578.
Genomic context (GRCh38, chr2:43,875,306, plus strand): 5'-TGCACTTCCTGCTGGTGTGGCTGGTGGTCTTCTGTTGCAGGATTATGGCCCTGGCCGCCG[C>T]GGCCCTGCTCCCCACCTTCCACATGGCCTCCTTCTTCAGCAATGCCCTCTACAACTCCTT-3'
Protein context (NP_071882.1, residues 540-560): FCCRIMALAA[Ala550Val]ALLPTFHMAS

ClinVar aggregate classification (germline): Uncertain significance (1 of 4 stars; one submission).

Conditions:
ABCG8-related disorder. Also called: ABCG8-related condition.

Allele frequency attached by ClinVar (database versions not stated): gnomAD 0.00002; 1000 Genomes Project 30x 0.00016; 1000 Genomes Project 0.00020.
gnomAD v4.1: 31 of 1,614,154 alleles (0.0019%); highest among the groups gnomAD compares: East Asian, 0.058%; no homozygotes.

Submission:

PreventionGenetics, part of Exact Sciences
Classification: Uncertain significance for ABCG8-related condition. Last evaluated: 2023-03-06. Review status: criteria provided, single submitter. Criteria: ACMG Guidelines, 2015. Collection method: clinical testing. Allele origin: germline.
Comment: The ABCG8 c.1649C>T variant is predicted to result in the amino acid substitution p.Ala550Val. To our knowledge, this variant has not been reported in the literature. This variant is reported in 0.0099% of alleles in individuals of Ashkenazi Jewish descent in gnomAD. At this time, the clinical significance of this variant is uncertain due to the absence of conclusive functional and genetic evidence.